The following is an entry in ClinVar:

ClinVar aggregate classification (germline): Uncertain significance (1 of 4 stars; one submission).

Submission:

Labcorp Genetics (formerly Invitae), Labcorp
Classification: Uncertain significance. Last evaluated: 2022-03-10. Review status: criteria provided, single submitter. Criteria: Invitae Variant Classification Sherloc (09022015). Collection method: clinical testing. Allele origin: germline.
Comment: In summary, the available evidence is currently insufficient to determine the role of this variant in disease. Therefore, it has been classified as a Variant of Uncertain Significance. Algorithms developed to predict the effect of missense changes on protein structure and function are either unavailable or do not agree on the potential impact of this missense change (SIFT: "Deleterious"; PolyPhen-2: "Probably Damaging"; Align-GVGD: "Class C0"). This variant has not been reported in the literature in individuals affected with CACNA1D-related conditions. This variant is not present in population databases (gnomAD no frequency). This sequence change replaces lysine, which is basic and polar, with methionine, which is neutral and non-polar, at codon 792 of the CACNA1D protein (p.Lys792Met).

NM_001128840.3(CACNA1D):c.2315A>T (p.Lys772Met)

Gene: CACNA1D (calcium voltage-gated channel subunit alpha1 D; plus strand). Cytogenetic location: 3p21.1.
Variant type: single nucleotide variant.
Coding change: c.2315A>T on transcript NM_001128840.3 (MANE Select); coding-DNA position 2315, A replaced by T.
Protein change: p.Lys772Met; replaces lysine 772 with methionine.
Molecular consequence: missense variant.
Genome position (GRCh38, 1-based): chr3:53,730,535, A>T. VCF-style: chr3-53730535-A-T. GRCh37 (hg19) VCF-style: chr3-53764562-A-T.
Other names: c.2375A>T, p.Lys792Met (NM_000720.4); c.2315A>T, p.Lys772Met (NM_001128839.3); short protein forms K792M, K772M.
Identifiers: ClinVar variation 1952229 (VCV001952229.5), dbSNP rs2473768491, ClinGen allele CA353240590.
Genomic context (GRCh38, chr3:53,730,535, plus strand): 5'-TAGACAATTTGGCTGATGCTGAAAGTCTGAACACTGCTCAGAAAGAAGAAGCGGAAGAAA[A>T]GGAGAGGAAAAAGATTGCCAGGTAACCCTATTTTCCCCTGACGTGTTTGTCCAGGGGCTG-3'
Protein context (NP_001122312.1, residues 762-782): NTAQKEEAEE[Lys772Met]ERKKIARKES